The following is an entry in ClinVar:

NM_006767.4(LZTR1):c.2070-2A>T

Gene: LZTR1 (leucine zipper like post translational regulator 1; plus strand). Cytogenetic location: 22q11.21.
Variant type: single nucleotide variant.
Coding change: c.2070-2A>T on transcript NM_006767.4 (MANE Select); the canonical splice acceptor site of the intron before coding-DNA position 2070, A replaced by T.
Molecular consequence: splice acceptor variant.
Genome position (GRCh38, 1-based): chr22:20,995,961, A>T. VCF-style: chr22-20995961-A-T. GRCh37 (hg19) VCF-style: chr22-21350250-A-T.
Identifiers: ClinVar variation 5006463 (VCV005006463.2).

ClinVar aggregate classification (germline): Likely pathogenic (1 of 4 stars; one submission).

Conditions:
Noonan syndrome 2 (NS2). Identifiers: Orphanet 648, MedGen C1854469, MONDO:0011531, OMIM 605275.

Submission:

Juno Genomics, Hangzhou Juno Genomics, Inc
Classification: Likely pathogenic for Noonan syndrome 2. Review status: criteria provided, single submitter. Criteria: ACMG Guidelines, 2015. Collection method: clinical testing. Allele origin: germline.
Comment: Absent from controls (or at extremely low frequency if recessive) in Genome Aggregation Database.;Null variant in a gene where loss of function (LOF) is a known mechanism of disease.;Patient's phenotype or family history is highly specific for a disease with a single genetic etiology.